The following is an entry in ClinVar:

NM_015021.3(ZNF292):c.7192A>G (p.Thr2398Ala)

Gene: ZNF292 (zinc finger protein 292; plus strand). Cytogenetic location: 6q14.3.
Variant type: single nucleotide variant.
Coding change: c.7192A>G on transcript NM_015021.3 (MANE Select); coding-DNA position 7192, A replaced by G.
Protein change: p.Thr2398Ala; replaces threonine 2398 with alanine.
Molecular consequence: missense variant.
Genome position (GRCh38, 1-based): chr6:87,260,821, A>G. VCF-style: chr6-87260821-A-G. GRCh37 (hg19) VCF-style: chr6-87970539-A-G.
Other names: c.6772A>G, p.Thr2258Ala (NM_001351444.2); short protein forms T2258A, T2398A.
Identifiers: ClinVar variation 2443528 (VCV002443528.1), dbSNP rs2482367741, ClinGen allele CA364942731.

ClinVar aggregate classification (germline): Uncertain significance (1 of 4 stars; one submission).

Submission:

GeneDx
Classification: Uncertain significance. Last evaluated: 2022-09-09. Review status: criteria provided, single submitter. Criteria: GeneDx Variant Classification Process June 2021. Collection method: clinical testing. Allele origin: germline. Affected: yes.
Comment: Not observed at significant frequency in large population cohorts (gnomAD); In silico analysis supports that this missense variant does not alter protein structure/function; Has not been previously published as pathogenic or benign to our knowledge